The following is an entry in ClinVar:

NM_000245.4(MET):c.1863-16T>C

Gene: MET (MET proto-oncogene, receptor tyrosine kinase; plus strand). Cytogenetic location: 7q31.2.
Variant type: single nucleotide variant.
Coding change: c.1863-16T>C on transcript NM_000245.4 (MANE Select); 16 bases into the intron before coding-DNA position 1863, T replaced by C.
Molecular consequence: intron variant.
Genome position (GRCh38, 1-based): chr7:116,757,421, T>C. VCF-style: chr7-116757421-T-C. GRCh37 (hg19) VCF-style: chr7-116397475-T-C.
Other names: c.1863-16T>C (NM_001127500.3, NM_001324401.3); c.573-16T>C (NM_001324402.2).
Identifiers: ClinVar variation 1551298 (VCV001551298.9), dbSNP rs759151928, ClinGen allele CA2573141490.

ClinVar aggregate classification (germline): Likely benign. Review status: criteria provided, multiple submitters, no conflicts (2 of 4 stars). 2 submissions from 2 submitters: Likely benign (2). Last evaluated 2024-11-08.

Conditions:
Papillary renal cell carcinoma type 1 (RCCP1). Also called: Renal adenocarcinoma; Renal cell carcinoma 1; Renal cell carcinoma, somatic; RENAL CELL CARCINOMA, PAPILLARY, 1, SOMATIC. Identifiers: Orphanet 47044, MedGen C1336839, OMIM 605074, HP:0011797.
Renal cell carcinoma. Identifiers: Orphanet 217071, MedGen C0007134, MeSH D002292, MONDO:0005086, HP:0005584.

Allele frequency attached by ClinVar (database versions not stated): gnomAD exomes 0.00001.
gnomAD v4.1: 12 of 1,606,082 alleles (0.00075%); highest among the groups gnomAD compares: Non-Finnish European, 0.001%; no homozygotes.

Submissions (2):

Myriad Genetics, Inc.
Classification: Likely benign for Papillary renal cell carcinoma type 1. Last evaluated: 2024-11-08. Review status: criteria provided, single submitter. Criteria: Myriad Autosomal Dominant, Autosomal Recessive and X-Linked Classification Criteria (2023). Collection method: clinical testing. Allele origin: unknown.
Comment: This variant is considered likely benign. This variant is intronic and is not expected to impact mRNA splicing.

Labcorp Genetics (formerly Invitae), Labcorp
Classification: Likely benign for Renal cell carcinoma. Last evaluated: 2021-09-15. Review status: criteria provided, single submitter. Criteria: Invitae Variant Classification Sherloc (09022015). Collection method: clinical testing. Allele origin: germline.